The following is an entry in ClinVar:

NM_000059.4(BRCA2):c.5577T>G (p.Ile1859Met)

Gene: BRCA2 (BRCA2 DNA repair associated; plus strand). Cytogenetic location: 13q13.1.
Variant type: single nucleotide variant.
Coding change: c.5577T>G on transcript NM_000059.4 (MANE Select); coding-DNA position 5577, T replaced by G.
Protein change: p.Ile1859Met; replaces isoleucine 1859 with methionine.
Molecular consequence: missense variant.
Genome position (GRCh38, 1-based): chr13:32,339,932, T>G. VCF-style: chr13-32339932-T-G. GRCh37 (hg19) VCF-style: chr13-32914069-T-G.
Other names: c.5577T>G, p.Ile1859Met (NM_001406719.1, NM_001406720.1); short protein forms I1859M.
Identifiers: ClinVar variation 1748396 (VCV001748396.5), dbSNP rs2072532460, ClinGen allele CA387786008.
Genomic context (GRCh38, chr13:32,339,932, plus strand): 5'-AGGGCCACCTGCATTTAGGATAGCCAGTGGTAAAATCGTTTGTGTTTCACATGAAACAAT[T>G]AAAAAAGTGAAAGACATATTTACAGACAGTTTCAGTAAAGTAATTAAGGAAAACAACGAG-3'
Protein context (NP_000050.3, residues 1849-1869): GKIVCVSHET[Ile1859Met]KKVKDIFTDS

ClinVar aggregate classification (germline): Conflicting classifications of pathogenicity. Review status: criteria provided, conflicting classifications (1 of 4 stars). 2 submissions from 2 submitters: Uncertain significance (1); Likely benign (1). Last evaluated 2023-09-02.

Conditions:
Hereditary cancer-predisposing syndrome. Also called: Hereditary Cancer Syndrome; Hereditary neoplastic syndrome; Neoplastic Syndromes, Hereditary; Tumor predisposition. Identifiers: Orphanet 140162, MedGen C0027672, MeSH D009386, MONDO:0015356.

Allele frequency attached by ClinVar (database versions not stated): TOPMed below 0.00001.

Submissions (2):

Ambry Genetics
Classification: Uncertain significance for Hereditary cancer-predisposing syndrome. Last evaluated: 2023-09-02. Review status: criteria provided, single submitter. Criteria: Ambry Variant Classification Scheme 2023. Collection method: clinical testing. Allele origin: germline.
Comment: The p.I1859M variant (also known as c.5577T>G), located in coding exon 10 of the BRCA2 gene, results from a T to G substitution at nucleotide position 5577. The isoleucine at codon 1859 is replaced by methionine, an amino acid with highly similar properties. This amino acid position is not well conserved in available vertebrate species. In addition, this alteration is predicted to be tolerated by in silico analysis. Since supporting evidence is limited at this time, the clinical significance of this alteration remains unclear.

University of Washington Department of Laboratory Medicine, University of Washington
Classification: Likely benign for Hereditary cancer-predisposing syndrome. Last evaluated: 2023-03-23. Review status: criteria provided, single submitter. Criteria: Dines et al. (Genet Med. 2020). Collection method: curation. Allele origin: germline.
Comment: Missense variant in a coldspot region where missense variants are very unlikely to be pathogenic (PMID:31911673).

BRCA2 exon 11 coldspot. Reclassification based on statistical prior probability.